The following is an entry in ClinVar:

NM_000138.5(FBN1):c.7266A>G (p.Arg2422=)

Gene: FBN1 (fibrillin 1; minus strand). Cytogenetic location: 15q21.1.
Variant type: single nucleotide variant.
Coding change: c.7266A>G on transcript NM_000138.5 (MANE Select); coding-DNA position 7266, A replaced by G.
Protein change: p.Arg2422=; no amino-acid change (arginine 2422 retained).
Molecular consequence: synonymous variant.
Genome position (GRCh38, 1-based): chr15:48,425,803, T>C on the plus strand (A>G on the coding strand, the complement: FBN1 is on the minus strand). VCF-style: chr15-48425803-T-C. GRCh37 (hg19) VCF-style: chr15-48718000-T-C.
Identifiers: ClinVar variation 457258 (VCV000457258.15), dbSNP rs532737688, ClinGen allele CA058188.
Genomic context (GRCh38, chr15:48,425,803, plus strand): 5'-ACAGGAAGTCCCAGTTATATCTGGAGTGTACCCAGTTTTACAAATGCAATGATATGATCC[T>C]CTGTCATTGACACATTCCCCATTTCGGCAAACATCGTGAATAACCTTGCATTCATCGATA-3'
Protein context (NP_000129.3, residues 2412-2432): VCRNGECVND[Arg2422=]GSYHCICKTG

ClinVar aggregate classification (germline): Likely benign. Review status: criteria provided, multiple submitters, no conflicts (2 of 4 stars). 6 submissions from 6 submitters: Likely benign (5). 1 of the submissions does not count toward it. Last evaluated 2026-02-02.

Conditions:
Weill-Marchesani syndrome 2, dominant. Also called: FBN1-Related Weill-Marchesani Syndrome; Weill-Marchesani Syndrome, Autosomal Dominant. Identifiers: Orphanet 2084, MedGen C1869115, MONDO:0012013, OMIM 608328.
Ectopia lentis 1, isolated, autosomal dominant (ECTOL1). Identifiers: Orphanet 1885, MedGen C3541518, MONDO:0007514, OMIM 129600.
Marfan syndrome (MFS). Also called: MARFAN SYNDROME, TYPE I; FBN1-Related Marfan Syndrome; Marfan syndrome type 1; Marfan's syndrome; Marfan syndrome, classic. Identifiers: Orphanet 284963, Orphanet 558, MedGen C0024796, MONDO:0007947, OMIM 154700.
Stiff skin syndrome (SSKS). Identifiers: Orphanet 2833, MedGen C1861456, MONDO:0008492, OMIM 184900.
Acromicric dysplasia (ACMICD). Also called: Acromicric skeletal dysplasia. Identifiers: Orphanet 969, MedGen C0265287, MONDO:0007055, OMIM 102370.
Progeroid and marfanoid aspect-lipodystrophy syndrome. Also called: MARFANOID-PROGEROID SYNDROME; MARFAN-PROGEROID-LIPODYSTROPHY SYNDROME; Marfan lipodystrophy syndrome; MARFANOID-PROGEROID-LIPODYSTROPHY SYNDROME. Identifiers: Orphanet 300382, MedGen C4310796, MONDO:0014831, OMIM 616914.
MASS syndrome (OCTD). Also called: MASS PHENOTYPE; OVERLAP CONNECTIVE TISSUE DISEASE. Identifiers: MedGen C1858556, MONDO:0011431, OMIM 604308.
Geleophysic dysplasia 2 (GPHYSD2). Identifiers: Orphanet 2623, MedGen C3280054, MONDO:0013612, OMIM 614185.
Familial thoracic aortic aneurysm and aortic dissection (TAAD). Also called: Thoracic aortic aneurysms and dissections. Identifiers: Orphanet 91387, MedGen C4707243, MONDO:0019625.
FBN1-related disorder. Also called: FBN1-related disorders.

Allele frequency attached by ClinVar (database versions not stated): TOPMed 0.00011; 1000 Genomes Project 0.00020; ExAC 0.00001; 1000 Genomes Project 30x 0.00016; gnomAD 0.00009; gnomAD exomes below 0.00001.
gnomAD v4.1: 17 of 1,609,156 alleles (0.0011%); highest among the groups gnomAD compares: African/African-American, 0.021%; no homozygotes.

Submissions (6):

Labcorp Genetics (formerly Invitae), Labcorp
Classification: Likely benign for Marfan syndrome; Familial thoracic aortic aneurysm and aortic dissection. Last evaluated: 2026-02-02. Review status: criteria provided, single submitter. Criteria: Invitae Variant Classification Sherloc (09022015). Collection method: clinical testing. Allele origin: germline.

All of Us Research Program, National Institutes of Health
Classification: Likely benign for Marfan syndrome. Last evaluated: 2024-09-23. Review status: criteria provided, single submitter. Criteria: ACMG Guidelines, 2015. Collection method: clinical testing. Allele origin: germline. Inheritance: Autosomal dominant inheritance. Observed: 6 variant alleles, 6 heterozygotes.
Comment: This study involves interpretation of variants in research participants for the purpose of population health screening. Participant phenotype was not available at the time of variant classification. Additional details can be found in publication PMID: 35346344, PMCID: PMC8962531

Color Diagnostics, LLC DBA Color Health
Classification: Likely benign for Familial thoracic aortic aneurysm and aortic dissection. Last evaluated: 2023-02-28. Review status: criteria provided, single submitter. Criteria: ACMG Guidelines, 2015. Collection method: clinical testing. Allele origin: germline.

Ambry Genetics
Classification: Likely benign for Familial thoracic aortic aneurysm and aortic dissection. Last evaluated: 2023-01-22. Review status: criteria provided, single submitter. Criteria: Ambry Variant Classification Scheme 2023. Collection method: clinical testing. Allele origin: germline.

Fulgent Genetics
Classification: Likely benign for Acromicric dysplasia; Ectopia lentis 1, isolated, autosomal dominant; Marfan syndrome; Stiff skin syndrome; MASS syndrome; Weill-Marchesani syndrome 2, dominant; Geleophysic dysplasia 2; Progeroid and marfanoid aspect-lipodystrophy syndrome. Last evaluated: 2021-07-09. Review status: criteria provided, single submitter. Criteria: ACMG Guidelines, 2015. Collection method: clinical testing. Allele origin: unknown.

PreventionGenetics, part of Exact Sciences
Classification: Likely benign for FBN1-related condition. Last evaluated: 2021-06-08. Review status: no assertion criteria provided. Collection method: clinical testing. Allele origin: germline. Not counted in ClinVar's aggregate classification.
Comment: This variant is classified as likely benign based on ACMG/AMP sequence variant interpretation guidelines (Richards et al. 2015 PMID: 25741868, with internal and published modifications).